The following is an entry in ClinVar:

ClinVar aggregate classification (germline): Uncertain significance. Review status: criteria provided, multiple submitters, no conflicts (2 of 4 stars). 4 submissions from 4 submitters: Uncertain significance (4). Last evaluated 2025-09-02.

Conditions:
Inborn genetic diseases. Identifiers: MedGen C0950123, MeSH D030342.

Allele frequency attached by ClinVar (database versions not stated): ExAC 0.00002; gnomAD exomes 0.00004; TOPMed 0.00004; ESP Exome Variant Server 0.00008; gnomAD 0.00008.

Submissions (4):

Labcorp Genetics (formerly Invitae), Labcorp
Classification: Uncertain significance. Last evaluated: 2025-09-02. Review status: criteria provided, single submitter. Criteria: Invitae Variant Classification Sherloc (09022015). Collection method: clinical testing. Allele origin: germline.
Comment: This sequence change replaces valine, which is neutral and non-polar, with isoleucine, which is neutral and non-polar, at codon 293 of the CDC14A protein (p.Val293Ile). This variant is present in population databases (rs376457651, gnomAD 0.009%). This variant has not been reported in the literature in individuals affected with CDC14A-related conditions. ClinVar contains an entry for this variant (Variation ID: 2188611). Invitae Evidence Modeling of protein sequence and biophysical properties (such as structural, functional, and spatial information, amino acid conservation, physicochemical variation, residue mobility, and thermodynamic stability) indicates that this missense variant is not expected to disrupt CDC14A protein function with a negative predictive value of 80%. In summary, the available evidence is currently insufficient to determine the role of this variant in disease. Therefore, it has been classified as a Variant of Uncertain Significance.

Ambry Genetics
Classification: Uncertain significance for Inborn genetic diseases. Last evaluated: 2025-08-13. Review status: criteria provided, single submitter. Criteria: Ambry Variant Classification Scheme 2023. Collection method: clinical testing. Allele origin: germline.

GeneDx
Classification: Uncertain significance. Last evaluated: 2024-10-21. Review status: criteria provided, single submitter. Criteria: GeneDx Variant Classification Process June 2021. Collection method: clinical testing. Allele origin: germline. Affected: yes.
Comment: In silico analysis indicates that this missense variant does not alter protein structure/function; Has not been previously published as pathogenic or benign to our knowledge

Blueprint Genetics
Classification: Uncertain significance. Last evaluated: 2024-09-16. Review status: criteria provided, single submitter. Criteria: ACMG Guidelines, 2015. Collection method: clinical testing. Allele origin: germline.

NM_003672.4(CDC14A):c.877G>A (p.Val293Ile)

Gene: CDC14A (cell division cycle 14A; plus strand). Cytogenetic location: 1p21.2.
Variant type: single nucleotide variant.
Coding change: c.877G>A on transcript NM_003672.4 (MANE Select); coding-DNA position 877, G replaced by A.
Protein change: p.Val293Ile; replaces valine 293 with isoleucine.
Molecular consequence: missense variant. On other transcripts: 5 prime UTR variant (1).
Genome position (GRCh38, 1-based): chr1:100,467,994, G>A. VCF-style: chr1-100467994-G-A. GRCh37 (hg19) VCF-style: chr1-100933550-G-A.
Other names: c.877G>A, p.Val293Ile (NM_001319210.2, NM_033312.3, NM_033313.3); c.703G>A, p.Val235Ile (NM_001319211.2); c.-3G>A (NM_001319212.2); c.877G>A (NM_003672.3, NM_033312.2); short protein forms V235I, V293I.
Identifiers: ClinVar variation 2188611 (VCV002188611.7), dbSNP rs376457651, ClinGen allele CA970723.